The following is an entry in ClinVar:

ClinVar aggregate classification (germline): Uncertain significance (1 of 4 stars; one submission).

Conditions:
Myofibrillar myopathy 5. Also called: Filaminopathy (type); FILAMINOPATHY, AUTOSOMAL DOMINANT. Identifiers: Orphanet 171445, MedGen C1836050, MONDO:0012289, OMIM 609524.
Distal myopathy with posterior leg and anterior hand involvement. Also called: WILLIAMS DISTAL MYOPATHY. Identifiers: Orphanet 63273, MedGen C3279722, MONDO:0013550, OMIM 614065.
Hypertrophic cardiomyopathy 26. Also called: Cardiomyopathy, familial hypertrophic, 26. Identifiers: Orphanet 75249, MedGen C4310749, MONDO:0014883, OMIM 617047.

Submission:

Labcorp Genetics (formerly Invitae), Labcorp
Classification: Uncertain significance for Distal myopathy with posterior leg and anterior hand involvement; Myofibrillar myopathy 5; Hypertrophic cardiomyopathy 26. Last evaluated: 2022-04-15. Review status: criteria provided, single submitter. Criteria: Invitae Variant Classification Sherloc (09022015). Collection method: clinical testing. Allele origin: germline.
Comment: This variant is not present in population databases (gnomAD no frequency). This sequence change replaces asparagine, which is neutral and polar, with lysine, which is basic and polar, at codon 1909 of the FLNC protein (p.Asn1909Lys). This variant has not been reported in the literature in individuals affected with FLNC-related conditions. In summary, the available evidence is currently insufficient to determine the role of this variant in disease. Therefore, it has been classified as a Variant of Uncertain Significance. Algorithms developed to predict the effect of missense changes on protein structure and function are either unavailable or do not agree on the potential impact of this missense change (SIFT: "Deleterious"; PolyPhen-2: "Probably Damaging"; Align-GVGD: "Class C0").

NM_001458.5(FLNC):c.5727C>A (p.Asn1909Lys)

Genes: FLNC (filamin C; plus strand), FLNC-AS1 (FLNC antisense RNA 1; minus strand). Cytogenetic location: 7q32.1.
Variant type: single nucleotide variant.
Coding change: c.5727C>A on transcript NM_001458.5 (MANE Select); coding-DNA position 5727, C replaced by A.
Protein change: p.Asn1909Lys; replaces asparagine 1909 with lysine.
Molecular consequence: missense variant.
Genome position (GRCh38, 1-based): chr7:128,851,513, C>A. VCF-style: chr7-128851513-C-A. GRCh37 (hg19) VCF-style: chr7-128491567-C-A.
Other names: c.5628C>A, p.Asn1876Lys (NM_001127487.2); short protein forms N1909K, N1876K.
Identifiers: ClinVar variation 2119674 (VCV002119674.4), dbSNP rs771291072, ClinGen allele CA369208190.